The following is an entry in ClinVar:

ClinVar aggregate classification (germline): Uncertain significance (1 of 4 stars; one submission).

Conditions:
Inborn genetic diseases. Identifiers: MedGen C0950123, MeSH D030342.

Submission:

Ambry Genetics
Classification: Uncertain significance for Inborn genetic diseases. Last evaluated: 2021-07-14. Review status: criteria provided, single submitter. Criteria: Ambry Variant Classification Scheme 2023. Collection method: clinical testing. Allele origin: germline.
Comment: The p.Q902R variant (also known as c.2705A>G), located in coding exon 10 of the WNK1 gene, results from an A to G substitution at nucleotide position 2705. The glutamine at codon 902 is replaced by arginine, an amino acid with highly similar properties. This amino acid position is highly conserved in available vertebrate species. In addition, this alteration is predicted to be tolerated by in silico analysis. Since supporting evidence is limited at this time, the clinical significance of this alteration remains unclear.

NM_213655.5(WNK1):c.2705A>G (p.Gln902Arg)

Gene: WNK1 (WNK lysine deficient protein kinase 1; plus strand). Cytogenetic location: 12p13.33.
Variant type: single nucleotide variant.
Coding change: c.2705A>G on transcript NM_213655.5 (MANE Plus Clinical); coding-DNA position 2705, A replaced by G.
Protein change: p.Gln902Arg; replaces glutamine 902 with arginine.
Molecular consequence: missense variant. On other transcripts: intron variant (2).
Genome position (GRCh38, 1-based): chr12:868,176, A>G. VCF-style: chr12-868176-A-G. GRCh37 (hg19) VCF-style: chr12-977342-A-G.
Other names: c.2450A>G, p.Gln817Arg (NM_001184985.2); c.2140-3089A>G (NM_018979.4, NM_014823.3); short protein forms Q817R, Q902R.
Identifiers: ClinVar variation 1794971 (VCV001794971.2), dbSNP rs2548786933, ClinGen allele CA383339441.
Genomic context (GRCh38, chr12:868,176, plus strand): 5'-AGGCCGTAGTTATGTTGGGTACTACAGCCAGTAGAGTAACTGGAGAGTCATGTGAGATAC[A>G]GGTCCATCCTATGTTTGAACCATCTCAAGTTTACAGTGACTATAGACCTGGACTAGTACT-3'
Protein context (NP_998820.3, residues 892-912): SRVTGESCEI[Gln902Arg]VHPMFEPSQV